The following is an entry in ClinVar:

NM_001366145.2(TRPM3):c.3831G>T (p.Thr1277=)

Genes: KLF9-DT (KLF9 divergent transcript; plus strand), TRPM3 (transient receptor potential cation channel subfamily M member 3; minus strand). Cytogenetic location: 9q21.12.
Variant type: single nucleotide variant.
Coding change: c.3831G>T on transcript NM_001366145.2 (MANE Select); coding-DNA position 3831, G replaced by T.
Protein change: p.Thr1277=; no amino-acid change (threonine 1277 retained).
Molecular consequence: synonymous variant.
Genome position (GRCh38, 1-based): chr9:70,537,282, C>A on the plus strand (G>T on the coding strand, the complement: TRPM3 is on the minus strand). VCF-style: chr9-70537282-C-A. GRCh37 (hg19) VCF-style: chr9-73152198-C-A.
Other names: c.3795G>T, p.Thr1265= (NM_001007471.4, NM_001366151.2); c.3801G>T, p.Thr1267= (NM_001366141.2, NM_001366143.2, NM_001366149.2); c.3837G>T, p.Thr1279= (NM_001366142.2); c.3831G>T, p.Thr1277= (NM_001366146.2); c.3906G>T, p.Thr1302= (NM_001366147.2, NM_001366152.2); c.3876G>T, p.Thr1292= (NM_001366148.2); c.3765G>T, p.Thr1255= (NM_001366150.2); c.3372G>T, p.Thr1124= (NM_001366154.2, NM_024971.7); and 5 more.
Identifiers: ClinVar variation 3044121 (VCV003044121.2), dbSNP rs138205746, ClinGen allele CA5077942.

ClinVar aggregate classification (germline): Benign (0 of 4 stars; one submission).

Conditions:
TRPM3-related disorder. Also called: TRPM3-related condition.

Allele frequency attached by ClinVar (database versions not stated): 1000 Genomes Project 0.00479; 1000 Genomes Project 30x 0.00500; ESP Exome Variant Server 0.00546.
gnomAD v4.1: 1,457 of 1,566,210 alleles (0.093%); highest among the groups gnomAD compares: African/African-American, 1.8%; 18 homozygotes.

Submission:

PreventionGenetics, part of Exact Sciences
Classification: Benign for TRPM3-related condition. Last evaluated: 2019-04-25. Review status: no assertion criteria provided. Collection method: clinical testing. Allele origin: germline.
Comment: This variant is classified as benign based on ACMG/AMP sequence variant interpretation guidelines (Richards et al. 2015 PMID: 25741868, with internal and published modifications).